The following is an entry in ClinVar:

ClinVar aggregate classification (germline): Conflicting classifications of pathogenicity. Review status: criteria provided, conflicting classifications (1 of 4 stars). 9 submissions from 9 submitters: Uncertain significance (1); Benign (4); Likely benign (4). Last evaluated 2026-09-01.

Conditions:
ZFYVE26-related disorder. Also called: ZFYVE26-related condition.
Spastic paraplegia. Identifiers: MedGen C0037772, HP:0001258.
Hereditary spastic paraplegia. Also called: Familial spastic paraparesis. Identifiers: Orphanet 685, MedGen C0037773, MONDO:0019064. Disease mechanism: loss of function.
Hereditary spastic paraplegia 15 (SPG15). Also called: SPASTIC PARAPLEGIA 15, AUTOSOMAL RECESSIVE; SPASTIC PARAPLEGIA AND RETINAL DEGENERATION; KJELLIN SYNDROME. Identifiers: Orphanet 100996, MedGen C1849128, MONDO:0010044, OMIM 270700.

Allele frequency attached by ClinVar (database versions not stated): 1000 Genomes Project 30x 0.00031; 1000 Genomes Project 0.00040; gnomAD 0.00105 and 0.00113; ESP Exome Variant Server 0.00108; TOPMed 0.00141.
gnomAD v4.1: 1,724 of 1,614,030 alleles (0.11%); highest among the groups gnomAD compares: Admixed American, 0.12%; 4 homozygotes.

Submissions (9):

CeGaT Center for Human Genetics Tuebingen
Classification: Likely benign. Last evaluated: 2026-09-01. Review status: criteria provided, single submitter. Criteria: CeGaT Center For Human Genetics Tuebingen Variant Classification Criteria Version 2. Collection method: clinical testing. Allele origin: germline. Affected: yes. Observed: 9 variant alleles.
Comment: ZFYVE26: BP4, BP7

PreventionGenetics, part of Exact Sciences
Classification: Likely benign for ZFYVE26-related condition. Last evaluated: 2026-04-14. Review status: criteria provided, single submitter. Criteria: ACMG Guidelines, 2015. Collection method: clinical testing. Allele origin: germline.
Comment: This variant is classified as likely benign based on ACMG/AMP sequence variant interpretation guidelines (Richards et al. 2015 PMID: 25741868, with internal and published modifications).

Labcorp Genetics (formerly Invitae), Labcorp
Classification: Benign for Spastic paraplegia. Last evaluated: 2026-02-01. Review status: criteria provided, single submitter. Criteria: Invitae Variant Classification Sherloc (09022015). Collection method: clinical testing. Allele origin: germline.

Blueprint Genetics
Classification: Likely benign. Last evaluated: 2024-11-11. Review status: criteria provided, single submitter. Criteria: ACMG Guidelines, 2015. Collection method: clinical testing. Allele origin: germline.

Athena Diagnostics
Classification: Benign. Last evaluated: 2024-08-29. Review status: criteria provided, single submitter. Criteria: Athena Diagnostics Criteria. Collection method: clinical testing. Allele origin: unknown.

Mayo Clinic Laboratories, Mayo Clinic
Classification: Benign. Last evaluated: 2020-09-29. Review status: criteria provided, single submitter. Criteria: ACMG Guidelines, 2015. Collection method: clinical testing. Allele origin: germline. Observed: 9 variant alleles.

GeneDx
Classification: Benign. Last evaluated: 2019-04-15. Review status: criteria provided, single submitter. Criteria: GeneDx Variant Classification Process June 2021. Collection method: clinical testing. Allele origin: germline. Affected: yes.

Illumina Laboratory Services, Illumina
Classification: Uncertain significance for Hereditary spastic paraplegia 15. Last evaluated: 2018-01-13. Review status: criteria provided, single submitter. Criteria: ICSL Variant Classification Criteria 13 December 2019. Collection method: clinical testing. Allele origin: germline.

Genome Diagnostics Laboratory, The Hospital for Sick Children
Classification: Likely benign for Hereditary spastic paraplegia. Last evaluated: 2017-11-01. Review status: criteria provided, single submitter. Criteria: ACMG Guidelines, 2015. Collection method: clinical testing. Allele origin: germline. Affected: yes.

Literature cited by the submitters: PubMed 28213671 (cited by Athena Diagnostics).

NM_015346.4(ZFYVE26):c.7533C>T (p.Ser2511=)

Gene: ZFYVE26 (zinc finger FYVE-type containing 26; minus strand). Cytogenetic location: 14q24.1.
Variant type: single nucleotide variant.
Coding change: c.7533C>T on transcript NM_015346.4 (MANE Select); coding-DNA position 7533, C replaced by T.
Protein change: p.Ser2511=; no amino-acid change (serine 2511 retained).
Molecular consequence: synonymous variant.
Genome position (GRCh38, 1-based): chr14:67,748,523, G>A on the plus strand (C>T on the coding strand, the complement: ZFYVE26 is on the minus strand). VCF-style: chr14-67748523-G-A. GRCh37 (hg19) VCF-style: chr14-68215240-G-A.
Other names: p.Ser2511=.
Identifiers: ClinVar variation 241060 (VCV000241060.47), dbSNP rs147494935, ClinGen allele CA7238918.